The following is an entry in ClinVar:

ClinVar aggregate classification (germline): Benign/Likely benign. Review status: criteria provided, multiple submitters, no conflicts (2 of 4 stars). 4 submissions from 4 submitters: Benign (2); Likely benign (1). 1 of the submissions does not count toward it. Last evaluated 2024-06-24.

Conditions:
NCOR1-related disorder. Also called: NCOR1-related condition.

Allele frequency attached by ClinVar (database versions not stated): gnomAD exomes 0.00081; ExAC 0.00103; gnomAD 0.00314 and 0.00348; 1000 Genomes Project 0.00319; 1000 Genomes Project 30x 0.00328; TOPMed 0.00340; ESP Exome Variant Server 0.00384.
gnomAD v4.1: 945 of 1,605,258 alleles (0.059%); highest among the groups gnomAD compares: African/African-American, 1.1%; 4 homozygotes.

Submissions (4):

Blueprint Genetics
Classification: Likely benign. Last evaluated: 2024-06-24. Review status: criteria provided, single submitter. Criteria: ACMG Guidelines, 2015. Collection method: clinical testing. Allele origin: germline.

Labcorp Genetics (formerly Invitae), Labcorp
Classification: Benign. Last evaluated: 2018-04-20. Review status: criteria provided, single submitter. Criteria: Invitae Variant Classification Sherloc (09022015). Collection method: clinical testing. Allele origin: germline.

Breakthrough Genomics
Classification: Benign. Review status: criteria provided, single submitter. Criteria: ACMG Guidelines, 2015. Collection method: not provided. Allele origin: germline. Inheritance: Unknown mechanism. Affected: yes.

PreventionGenetics, part of Exact Sciences
Classification: Benign for NCOR1-related condition. Last evaluated: 2019-11-07. Review status: no assertion criteria provided. Collection method: clinical testing. Allele origin: germline. Not counted in ClinVar's aggregate classification.
Comment: This variant is classified as benign based on ACMG/AMP sequence variant interpretation guidelines (Richards et al. 2015 PMID: 25741868, with internal and published modifications).

NM_006311.4(NCOR1):c.6165C>A (p.Ile2055=)

Gene: NCOR1 (nuclear receptor corepressor 1; minus strand). Cytogenetic location: 17p12.
Variant type: single nucleotide variant.
Coding change: c.6165C>A on transcript NM_006311.4 (MANE Select); coding-DNA position 6165, C replaced by A.
Protein change: p.Ile2055=; no amino-acid change (isoleucine 2055 retained).
Molecular consequence: synonymous variant.
Genome position (GRCh38, 1-based): chr17:16,057,910, G>T on the plus strand (C>A on the coding strand, the complement: NCOR1 is on the minus strand). VCF-style: chr17-16057910-G-T. GRCh37 (hg19) VCF-style: chr17-15961224-G-T.
Other names: c.5856C>A, p.Ile1952= (NM_001190440.2).
Identifiers: ClinVar variation 710458 (VCV000710458.7), dbSNP rs115614290, ClinGen allele CA8408115.